The following is an entry in ClinVar:

ClinVar aggregate classification (germline): Uncertain significance (1 of 4 stars; one submission).

Conditions:
Inborn genetic diseases. Identifiers: MedGen C0950123, MeSH D030342.

Submission:

Ambry Genetics
Classification: Uncertain significance for Inborn genetic diseases. Last evaluated: 2024-05-10. Review status: criteria provided, single submitter. Criteria: Ambry Variant Classification Scheme 2023. Collection method: clinical testing. Allele origin: germline.
Comment: The p.S1743P variant (also known as c.5227T>C), located in coding exon 36 of the LRRK2 gene, results from a T to C substitution at nucleotide position 5227. The serine at codon 1743 is replaced by proline, an amino acid with similar properties. This amino acid position is conserved. In addition, this alteration is predicted to be deleterious by in silico analysis. Since supporting evidence is limited at this time, the clinical significance of this alteration remains unclear.

NM_198578.4(LRRK2):c.5227T>C (p.Ser1743Pro)

Gene: LRRK2 (leucine rich repeat kinase 2; plus strand). Cytogenetic location: 12q12.
Variant type: single nucleotide variant.
Coding change: c.5227T>C on transcript NM_198578.4 (MANE Select); coding-DNA position 5227, T replaced by C.
Protein change: p.Ser1743Pro; replaces serine 1743 with proline.
Molecular consequence: missense variant.
Genome position (GRCh38, 1-based): chr12:40,322,091, T>C. VCF-style: chr12-40322091-T-C. GRCh37 (hg19) VCF-style: chr12-40715893-T-C.
Other names: short protein forms S1743P.
Identifiers: ClinVar variation 1746181 (VCV001746181.3), dbSNP rs2499883495, ClinGen allele CA384420284.